The following is an entry in ClinVar:

NM_152703.5(SAMD9L):c.3604G>T (p.Glu1202Ter)

Gene: SAMD9L (sterile alpha motif domain containing 9 like; minus strand). Cytogenetic location: 7q21.2.
Variant type: single nucleotide variant.
Coding change: c.3604G>T on transcript NM_152703.5 (MANE Select); coding-DNA position 3604, G replaced by T.
Protein change: p.Glu1202Ter; replaces glutamic acid 1202 with a stop codon.
Molecular consequence: nonsense.
Genome position (GRCh38, 1-based): chr7:93,132,368, C>A on the plus strand (G>T on the coding strand, the complement: SAMD9L is on the minus strand). VCF-style: chr7-93132368-C-A. GRCh37 (hg19) VCF-style: chr7-92761681-C-A.
Other names: c.3604G>T, p.Glu1202Ter (NM_001303496.3, NM_001303497.3, NM_001303498.3 and 5 more transcripts); short protein forms E1202*.
Identifiers: ClinVar variation 3366122 (VCV003366122.1).

ClinVar aggregate classification (germline): Uncertain significance (1 of 4 stars; one submission).

gnomAD v4.1: 1 of 1,613,858 alleles (0.000062%); highest among the groups gnomAD compares: South Asian, 0.0011%; no homozygotes.

Submission:

GeneDx
Classification: Uncertain significance. Last evaluated: 2023-10-16. Review status: criteria provided, single submitter. Criteria: GeneDx Variant Classification Process June 2021. Collection method: clinical testing. Allele origin: germline. Affected: yes.
Comment: Not observed at significant frequency in large population cohorts (gnomAD); Nonsense variant predicted to result in protein truncation as the last 383 amino acids are lost, although loss-of-function variants have not been reported downstream of this position in the protein; Has not been previously published as pathogenic or benign to our knowledge